The following is an entry in ClinVar:

ClinVar aggregate classification (germline): Uncertain significance (1 of 4 stars; one submission).

Conditions:
GLUT1 deficiency syndrome 1, autosomal recessive. Identifiers: MedGen C3149117.

Submission:

Labcorp Genetics (formerly Invitae), Labcorp
Classification: Uncertain significance for GLUT1 deficiency syndrome 1, autosomal recessive. Last evaluated: 2023-06-18. Review status: criteria provided, single submitter. Criteria: Invitae Variant Classification Sherloc (09022015). Collection method: clinical testing. Allele origin: germline.
Comment: In summary, the available evidence is currently insufficient to determine the role of this variant in disease. Therefore, it has been classified as a Variant of Uncertain Significance. Advanced modeling of protein sequence and biophysical properties (such as structural, functional, and spatial information, amino acid conservation, physicochemical variation, residue mobility, and thermodynamic stability) performed at Invitae indicates that this missense variant is expected to disrupt SLC2A1 protein function. This variant has not been reported in the literature in individuals affected with SLC2A1-related conditions. This variant is not present in population databases (gnomAD no frequency). This sequence change replaces valine, which is neutral and non-polar, with glutamic acid, which is acidic and polar, at codon 237 of the SLC2A1 protein (p.Val237Glu).

NM_006516.4(SLC2A1):c.710T>A (p.Val237Glu)

Gene: SLC2A1 (solute carrier family 2 member 1; minus strand). Cytogenetic location: 1p34.2.
Variant type: single nucleotide variant.
Coding change: c.710T>A on transcript NM_006516.4 (MANE Select); coding-DNA position 710, T replaced by A.
Protein change: p.Val237Glu; replaces valine 237 with glutamic acid.
Molecular consequence: missense variant.
Genome position (GRCh38, 1-based): chr1:42,929,750, A>T on the plus strand (T>A on the coding strand, the complement: SLC2A1 is on the minus strand). VCF-style: chr1-42929750-A-T. GRCh37 (hg19) VCF-style: chr1-43395421-A-T.
Other names: short protein forms V237E.
Identifiers: ClinVar variation 2718834 (VCV002718834.3), dbSNP rs2524992734, ClinGen allele CA339958176.
Genomic context (GRCh38, chr1:42,929,750, plus strand): 5'-ACCTTCTTCTCCCGCATCATCTGCCGACTCTCTTCCTTCATCTCCTGCAGGTCATGGGTC[A>T]CGTCAGCTGTCCCGCGCAGCTTCTTTAGCACTGGGGGGACCGGAGGGAAGGTGAGGGTGG-3'
Protein context (NP_006507.2, residues 227-247): VLKKLRGTAD[Val237Glu]THDLQEMKEE